The following is an entry in ClinVar:

NM_001387777.1(TNS1):c.3336T>C (p.Pro1112=)

Gene: TNS1 (tensin 1; minus strand). Cytogenetic location: 2q35.
Variant type: single nucleotide variant.
Coding change: c.3336T>C on transcript NM_001387777.1 (MANE Select); coding-DNA position 3336, T replaced by C.
Protein change: p.Pro1112=; no amino-acid change (proline 1112 retained).
Molecular consequence: synonymous variant.
Genome position (GRCh38, 1-based): chr2:217,831,492, A>G on the plus strand (T>C on the coding strand, the complement: TNS1 is on the minus strand). VCF-style: chr2-217831492-A-G. GRCh37 (hg19) VCF-style: chr2-218696215-A-G.
Other names: c.2961T>C, p.Pro987= (NM_001308022.2, NM_001308023.2, NM_022648.7).
Identifiers: ClinVar variation 3056697 (VCV003056697.2), dbSNP rs2552530, ClinGen allele CA2099956.

ClinVar aggregate classification (germline): Benign (0 of 4 stars; one submission).

Conditions:
TNS1-related disorder. Also called: TNS1-related condition.

Allele frequency attached by ClinVar (database versions not stated): gnomAD exomes 0.00657; ExAC 0.03480; TOPMed 0.07567; 1000 Genomes Project 0.07588; ESP Exome Variant Server 0.07596; 1000 Genomes Project 30x 0.08198.
gnomAD v4.1: 20,042 of 1,585,392 alleles (1.3%); highest among the groups gnomAD compares: African/African-American, 23%; 2,123 homozygotes.

Submission:

PreventionGenetics, part of Exact Sciences
Classification: Benign for TNS1-related condition. Last evaluated: 2019-04-05. Review status: no assertion criteria provided. Collection method: clinical testing. Allele origin: germline.
Comment: This variant is classified as benign based on ACMG/AMP sequence variant interpretation guidelines (Richards et al. 2015 PMID: 25741868, with internal and published modifications).